The following is an entry in ClinVar:

ClinVar aggregate classification (germline): Conflicting classifications of pathogenicity. Review status: criteria provided, conflicting classifications (1 of 4 stars). 4 submissions from 4 submitters: Uncertain significance (3); Likely benign (1). Last evaluated 2025-12-21.

Conditions:
DTNA-related disorder. Also called: DTNA-related condition.
Left ventricular noncompaction 1 (LVNC1). Also called: LEFT VENTRICULAR NONCOMPACTION 1 WITH OR WITHOUT CONGENITAL HEART DEFECTS. Identifiers: Orphanet 54260, MedGen C1858725, MONDO:0011403, OMIM 604169.

Allele frequency attached by ClinVar (database versions not stated): ESP Exome Variant Server 0.00008; gnomAD 0.00009; TOPMed 0.00010; ExAC 0.00011; gnomAD exomes 0.00011 and 0.00016.
gnomAD v4.1: 242 of 1,613,734 alleles (0.015%); highest among the groups gnomAD compares: Non-Finnish European, 0.02%; no homozygotes.

Submissions (4):

Labcorp Genetics (formerly Invitae), Labcorp
Classification: Uncertain significance for Left ventricular noncompaction 1. Last evaluated: 2025-12-21. Review status: criteria provided, single submitter. Criteria: Invitae Variant Classification Sherloc (09022015). Collection method: clinical testing. Allele origin: germline.
Comment: This sequence change replaces histidine, which is basic and polar, with arginine, which is basic and polar, at codon 124 of the DTNA protein (p.His124Arg). This variant is present in population databases (rs150147476, gnomAD 0.02%). This variant has not been reported in the literature in individuals affected with DTNA-related conditions. ClinVar contains an entry for this variant (Variation ID: 411863). Invitae Evidence Modeling of protein sequence and biophysical properties (such as structural, functional, and spatial information, amino acid conservation, physicochemical variation, residue mobility, and thermodynamic stability) indicates that this missense variant is not expected to disrupt DTNA protein function with a negative predictive value of 80%. In summary, the available evidence is currently insufficient to determine the role of this variant in disease. Therefore, it has been classified as a Variant of Uncertain Significance.

PreventionGenetics, part of Exact Sciences
Classification: Likely benign for DTNA-related condition. Last evaluated: 2025-02-08. Review status: criteria provided, single submitter. Criteria: ACMG Guidelines, 2015. Collection method: clinical testing. Allele origin: germline.
Comment: This variant is classified as likely benign based on ACMG/AMP sequence variant interpretation guidelines (Richards et al. 2015 PMID: 25741868, with internal and published modifications).

GeneDx
Classification: Uncertain significance. Last evaluated: 2022-06-15. Review status: criteria provided, single submitter. Criteria: GeneDx Variant Classification Process June 2021. Collection method: clinical testing. Allele origin: germline. Affected: yes.
Comment: In silico analysis supports that this missense variant does not alter protein structure/function; Has not been previously published as pathogenic or benign to our knowledge; Variants in candidate genes are classified as variants of uncertain significance in accordance with ACMG guidelines (Richards et al., 2015)

Fulgent Genetics
Classification: Uncertain significance for Left ventricular noncompaction 1. Last evaluated: 2021-11-08. Review status: criteria provided, single submitter. Criteria: ACMG Guidelines, 2015. Collection method: clinical testing. Allele origin: unknown.

NM_001386795.1(DTNA):c.371A>G (p.His124Arg)

Gene: DTNA (dystrobrevin alpha; plus strand). Cytogenetic location: 18q12.1.
Variant type: single nucleotide variant.
Coding change: c.371A>G on transcript NM_001386795.1 (MANE Select); coding-DNA position 371, A replaced by G.
Protein change: p.His124Arg; replaces histidine 124 with arginine.
Molecular consequence: missense variant.
Genome position (GRCh38, 1-based): chr18:34,806,227, A>G. VCF-style: chr18-34806227-A-G. GRCh37 (hg19) VCF-style: chr18-32386191-A-G.
Other names: c.371A>G, p.His124Arg (NM_001128175.2, NM_001198938.2, NM_001198939.2 and 35 more transcripts); short protein forms H124R.
Identifiers: ClinVar variation 411863 (VCV000411863.10), dbSNP rs150147476, ClinGen allele CA8935377.